The following is an entry in ClinVar:

NM_001277058.2(ERCC6):c.2254C>G (p.Gln752Glu)

Genes: ERCC6 (ERCC excision repair 6, chromatin remodeling factor; minus strand), PGBD3 (piggyBac transposable element derived 3; minus strand). Cytogenetic location: 10q11.23.
Variant type: single nucleotide variant.
Coding change: c.2254C>G on transcript NM_001277058.2 (MANE Plus Clinical); coding-DNA position 2254, C replaced by G.
Protein change: p.Gln752Glu; replaces glutamine 752 with glutamic acid.
Molecular consequence: missense variant. On other transcripts: intron variant (2).
Genome position (GRCh38, 1-based): chr10:49,516,265, G>C on the plus strand (C>G on the coding strand, the complement: ERCC6 is on the minus strand). VCF-style: chr10-49516265-G-C. GRCh37 (hg19) VCF-style: chr10-50724311-G-C.
Other names: c.2254C>G, p.Gln752Glu (NM_001277059.2); c.850C>G, p.Gln284Glu (NM_170753.3); c.1397+7768C>G (NM_001346440.2, NM_000124.4); short protein forms Q284E, Q752E.
Identifiers: ClinVar variation 3369309 (VCV003369309.1).
Genomic context (GRCh38, chr10:49,516,265, plus strand): 5'-GACAGGTGGCACCACACCAAAACTTATAGCCAAACCGAATGGGCTTTCCCCGAATAAATT[G>C]TTTGCACCCGTGACGACCAAAATAAGGAACCATGAATTCATCAAAGCTGAAATATGTTTC-3'
Protein context (NP_001263987.1, residues 742-762): VPYFGRHGCK[Gln752Glu]FIRGKPIRFG

ClinVar aggregate classification (germline): Uncertain significance (1 of 4 stars; one submission).

gnomAD v4.1: 10 of 1,613,970 alleles (0.00062%); highest among the groups gnomAD compares: Non-Finnish European, 0.00085%; no homozygotes.

Submission:

GeneDx
Classification: Uncertain significance. Last evaluated: 2024-02-15. Review status: criteria provided, single submitter. Criteria: GeneDx Variant Classification Process June 2021. Collection method: clinical testing. Allele origin: germline. Affected: yes.
Comment: In silico analysis supports that this missense variant has a deleterious effect on protein structure/function; Has not been previously published as pathogenic or benign to our knowledge; Reported using an alternate transcript of the gene